The following is an entry in ClinVar:

NM_201599.3(ZMYM3):c.116C>T (p.Thr39Ile)

Gene: ZMYM3 (zinc finger MYM-type containing 3; minus strand). Cytogenetic location: Xq13.1.
Variant type: single nucleotide variant.
Coding change: c.116C>T on transcript NM_201599.3 (MANE Select); coding-DNA position 116, C replaced by T.
Protein change: p.Thr39Ile; replaces threonine 39 with isoleucine.
Molecular consequence: missense variant.
Genome position (GRCh38, 1-based): chrX:71,253,140, G>A on the plus strand (C>T on the coding strand, the complement: ZMYM3 is on the minus strand). VCF-style: chrX-71253140-G-A. GRCh37 (hg19) VCF-style: chrX-70472990-G-A.
Other names: c.116C>T, p.Thr39Ile (NM_001171162.1, NM_001171163.1, NM_005096.3); short protein forms T39I.
Identifiers: ClinVar variation 3730860 (VCV003730860.1).

ClinVar aggregate classification (germline): Uncertain significance (1 of 4 stars; one submission).

Submission:

GeneDx
Classification: Uncertain significance. Last evaluated: 2024-08-16. Review status: criteria provided, single submitter. Criteria: GeneDx Variant Classification Process June 2021. Collection method: clinical testing. Allele origin: germline. Affected: yes.
Comment: Not observed in large population cohorts (gnomAD); In silico analysis supports that this missense variant has a deleterious effect on protein structure/function; Has not been previously published as pathogenic or benign to our knowledge